The following is an entry in ClinVar:

ClinVar aggregate classification (germline): Uncertain significance. Review status: criteria provided, multiple submitters, no conflicts (2 of 4 stars). 2 submissions from 2 submitters: Uncertain significance (2). Last evaluated 2024-10-22.

Conditions:
Hypoinsulinemic hypoglycemia and body hemihypertrophy. Also called: Hypoinsulinemic hypoglycemia and hemihypertrophy. Identifiers: Orphanet 293964, MedGen C3278384, MONDO:0009416, OMIM 240900.
Type 2 diabetes mellitus. Also called: Type II diabetes mellitus. Identifiers: MedGen C0011860, MeSH D003924, MONDO:0005148, OMIM 125853, HP:0005978.

Submissions (2):

Labcorp Genetics (formerly Invitae), Labcorp
Classification: Uncertain significance for Hypoinsulinemic hypoglycemia and body hemihypertrophy; Type 2 diabetes mellitus. Last evaluated: 2024-10-22. Review status: criteria provided, single submitter. Criteria: Invitae Variant Classification Sherloc (09022015). Collection method: clinical testing. Allele origin: germline.
Comment: This sequence change replaces aspartic acid, which is acidic and polar, with asparagine, which is neutral and polar, at codon 399 of the AKT2 protein (p.Asp399Asn). This variant is not present in population databases (gnomAD no frequency). This variant has not been reported in the literature in individuals affected with AKT2-related conditions. An algorithm developed to predict the effect of missense changes on protein structure and function (PolyPhen-2) suggests that this variant is likely to be tolerated. In summary, the available evidence is currently insufficient to determine the role of this variant in disease. Therefore, it has been classified as a Variant of Uncertain Significance.

Genetic Services Laboratory, University of Chicago
Classification: Uncertain significance. Last evaluated: 2023-06-15. Review status: criteria provided, single submitter. Criteria: ACMG Guidelines, 2015. Collection method: clinical testing. Allele origin: germline. Affected: no.
Comment: DNA sequence analysis of the AKT2 gene demonstrated a sequence change, c.1195G>A, in exon 12 that results in an amino acid change, p.Asp399Asn. This sequence change does not appear to have been previously described in individuals with AKT2-related disorders and has also not been described in population databases such as ExAC and gnomAD. The p.Asp399Asn change affects a highly conserved amino acid residue located in a domain of the AKT2 protein that is known to be functional. In-silico pathogenicity prediction tools (SIFT, PolyPhen2, Align GVGD, REVEL) provide contradictory results for the p.Asp399Asn substitution. Due to insufficient evidences and the lack of functional studies, the clinical significance of the p.Asp399Asn change remains unknown at this time.

NM_001626.6(AKT2):c.1195G>A (p.Asp399Asn)

Gene: AKT2 (AKT serine/threonine kinase 2; minus strand). Cytogenetic location: 19q13.2.
Variant type: single nucleotide variant.
Coding change: c.1195G>A on transcript NM_001626.6 (MANE Select); coding-DNA position 1195, G replaced by A.
Protein change: p.Asp399Asn; replaces aspartic acid 399 with asparagine.
Molecular consequence: missense variant.
Genome position (GRCh38, 1-based): chr19:40,235,331, C>T on the plus strand (G>A on the coding strand, the complement: AKT2 is on the minus strand). VCF-style: chr19-40235331-C-T. GRCh37 (hg19) VCF-style: chr19-40741238-C-T.
Other names: c.1009G>A, p.Asp337Asn (NM_001243027.3, NM_001243028.3); c.1066G>A, p.Asp356Asn (NM_001330511.1); short protein forms D337N, D356N, D399N.
Identifiers: ClinVar variation 3753124 (VCV003753124.4).